The following is an entry in ClinVar:

NM_014639.4(SKIC3):c.2077G>T (p.Val693Leu)

Gene: SKIC3 (SKI3 subunit of superkiller complex; minus strand). Cytogenetic location: 5q15.
Variant type: single nucleotide variant.
Coding change: c.2077G>T on transcript NM_014639.4 (MANE Select); coding-DNA position 2077, G replaced by T.
Protein change: p.Val693Leu; replaces valine 693 with leucine.
Molecular consequence: missense variant.
Genome position (GRCh38, 1-based): chr5:95,520,753, C>A on the plus strand (G>T on the coding strand, the complement: SKIC3 is on the minus strand). VCF-style: chr5-95520753-C-A. GRCh37 (hg19) VCF-style: chr5-94856457-C-A.
Other names: c.2077G>T (NM_014639.3); short protein forms V693L.
Identifiers: ClinVar variation 1430848 (VCV001430848.8), dbSNP rs150894862, ClinGen allele CA360462347.

ClinVar aggregate classification (germline): Uncertain significance. Review status: criteria provided, multiple submitters, no conflicts (2 of 4 stars). 2 submissions from 2 submitters: Uncertain significance (2). Last evaluated 2025-08-12.

Conditions:
Inborn genetic diseases. Identifiers: MedGen C0950123, MeSH D030342.

gnomAD v4.1: 27 of 1,611,734 alleles (0.0017%); highest among the groups gnomAD compares: Non-Finnish European, 0.0023%; no homozygotes.

Submissions (2):

Ambry Genetics
Classification: Uncertain significance for Inborn genetic diseases. Last evaluated: 2025-08-12. Review status: criteria provided, single submitter. Criteria: Ambry Variant Classification Scheme 2023. Collection method: clinical testing. Allele origin: germline.

Labcorp Genetics (formerly Invitae), Labcorp
Classification: Uncertain significance. Last evaluated: 2025-06-27. Review status: criteria provided, single submitter. Criteria: Invitae Variant Classification Sherloc (09022015). Collection method: clinical testing. Allele origin: germline.
Comment: This sequence change replaces valine, which is neutral and non-polar, with leucine, which is neutral and non-polar, at codon 693 of the TTC37 protein (p.Val693Leu). This variant is present in population databases (no rsID available, gnomAD 0.002%). This variant has not been reported in the literature in individuals affected with TTC37-related conditions. ClinVar contains an entry for this variant (Variation ID: 1430848). An algorithm developed to predict the effect of missense changes on protein structure and function (PolyPhen-2) suggests that this variant is likely to be tolerated. In summary, the available evidence is currently insufficient to determine the role of this variant in disease. Therefore, it has been classified as a Variant of Uncertain Significance.